The following is an entry in ClinVar:

NM_024408.4(NOTCH2):c.4748C>T (p.Ser1583Phe)

Gene: NOTCH2 (notch receptor 2; minus strand). Cytogenetic location: 1p12.
Variant type: single nucleotide variant.
Coding change: c.4748C>T on transcript NM_024408.4 (MANE Select); coding-DNA position 4748, C replaced by T.
Protein change: p.Ser1583Phe; replaces serine 1583 with phenylalanine.
Molecular consequence: missense variant.
Genome position (GRCh38, 1-based): chr1:119,923,748, G>A on the plus strand (C>T on the coding strand, the complement: NOTCH2 is on the minus strand). VCF-style: chr1-119923748-G-A. GRCh37 (hg19) VCF-style: chr1-120466371-G-A.
Other names: short protein forms S1583F.
Identifiers: ClinVar variation 2792943 (VCV002792943.3), dbSNP rs1392252497, ClinGen allele CA341888759.

ClinVar aggregate classification (germline): Uncertain significance (1 of 4 stars; one submission).

Conditions:
Hajdu-Cheney syndrome (HJCYS). Also called: Acroosteolysis dominant type; ACROOSTEOLYSIS WITH OSTEOPOROSIS AND CHANGES IN SKULL AND MANDIBLE; SERPENTINE FIBULA-POLYCYSTIC KIDNEY SYNDROME. Identifiers: Orphanet 955, MedGen C0917715, MONDO:0007057, OMIM 102500.

Allele frequency attached by ClinVar (database versions not stated): TOPMed below 0.00001; gnomAD 0.00001.
gnomAD v4.1: 1 of 1,614,038 alleles (0.000062%); highest among the groups gnomAD compares: Non-Finnish European, 0.000085%; no homozygotes.

Submission:

Labcorp Genetics (formerly Invitae), Labcorp
Classification: Uncertain significance for Hajdu-Cheney syndrome. Last evaluated: 2023-04-15. Review status: criteria provided, single submitter. Criteria: Invitae Variant Classification Sherloc (09022015). Collection method: clinical testing. Allele origin: germline.
Comment: Advanced modeling of protein sequence and biophysical properties (such as structural, functional, and spatial information, amino acid conservation, physicochemical variation, residue mobility, and thermodynamic stability) performed at Invitae indicates that this missense variant is not expected to disrupt NOTCH2 protein function. This variant has not been reported in the literature in individuals affected with NOTCH2-related conditions. This variant is not present in population databases (gnomAD no frequency). This sequence change replaces serine, which is neutral and polar, with phenylalanine, which is neutral and non-polar, at codon 1583 of the NOTCH2 protein (p.Ser1583Phe). In summary, the available evidence is currently insufficient to determine the role of this variant in disease. Therefore, it has been classified as a Variant of Uncertain Significance.